The following is an entry in ClinVar:

ClinVar aggregate classification (germline): Benign. Review status: criteria provided, multiple submitters, no conflicts (2 of 4 stars). 13 submissions from 13 submitters: Benign (10). 3 of the submissions do not count toward it. Last evaluated 2026-02-03.

Conditions:
Microcephaly 7, primary, autosomal recessive. Identifiers: Orphanet 2512, MedGen C2675187, MONDO:0012989, OMIM 612703.

Allele frequency attached by ClinVar (database versions not stated): 1000 Genomes Project 30x 0.38320; 1000 Genomes Project 0.39337; TOPMed 0.39631; ESP Exome Variant Server 0.40850; gnomAD 0.41846 and 0.42504; ExAC 0.49787; gnomAD exomes 0.50196 and 0.50714.
gnomAD v4.1: 805,928 of 1,613,978 alleles (50%); highest among the groups gnomAD compares: South Asian, 54%; 207,731 homozygotes.

Submissions (13):

Labcorp Genetics (formerly Invitae), Labcorp
Classification: Benign. Last evaluated: 2026-02-03. Review status: criteria provided, single submitter. Criteria: Invitae Variant Classification Sherloc (09022015). Collection method: clinical testing. Allele origin: germline.

Blueprint Genetics
Classification: Benign. Last evaluated: 2024-11-26. Review status: criteria provided, single submitter. Criteria: ACMG Guidelines, 2015. Collection method: clinical testing. Allele origin: germline.

Genome-Nilou Lab
Classification: Benign for Microcephaly 7, primary, autosomal recessive. Last evaluated: 2023-04-11. Review status: criteria provided, single submitter. Criteria: ACMG Guidelines, 2015. Collection method: clinical testing. Allele origin: germline. Affected: no.

Illumina Laboratory Services, Illumina
Classification: Benign for Microcephaly 7, primary, autosomal recessive. Last evaluated: 2018-01-13. Review status: criteria provided, single submitter. Criteria: ICSL Variant Classification Criteria 13 December 2019. Collection method: clinical testing. Allele origin: germline.
Comment: This variant was observed in the ICSL laboratory as part of a predisposition screen in an ostensibly healthy population. It had not been previously curated by ICSL or reported in the Human Gene Mutation Database (HGMD: prior to June 1st, 2018), and was therefore a candidate for classification through an automated scoring system. Utilizing variant allele frequency, disease prevalence and penetrance estimates, and inheritance mode, an automated score was calculated to assess if this variant is too frequent to cause the disease. Based on the score and internal cut-off values, a variant classified as benign is not then subjected to further curation. The score for this variant resulted in a classification of benign for this disease.

Athena Diagnostics
Classification: Benign. Last evaluated: 2017-04-20. Review status: criteria provided, single submitter. Criteria: Athena Diagnostics Criteria. Collection method: clinical testing. Allele origin: germline.

GeneDx
Classification: Benign. Last evaluated: 2013-12-18. Review status: criteria provided, single submitter. Criteria: GeneDx Variant Classification (06012015). Collection method: clinical testing. Allele origin: germline. Affected: yes.
Comment: This variant is considered likely benign or benign based on one or more of the following criteria: it is a conservative change, it occurs at a poorly conserved position in the protein, it is predicted to be benign by multiple in silico algorithms, and/or has population frequency not consistent with disease.

Eurofins Ntd Llc (ga)
Classification: Benign. Last evaluated: 2013-07-03. Review status: criteria provided, single submitter. Criteria: EGL Classification Definitions 2015. Collection method: clinical testing. Allele origin: germline. Observed: 4 variant alleles, 4 heterozygotes.

Genetic Services Laboratory, University of Chicago
Classification: Benign. Last evaluated: 2013-02-08. Review status: criteria provided, single submitter. Criteria: ACMG Guidelines, 2007. Collection method: clinical testing. Allele origin: germline. Inheritance: Autosomal recessive inheritance.

Breakthrough Genomics
Classification: Benign. Review status: criteria provided, single submitter. Criteria: ACMG Guidelines, 2015. Collection method: not provided. Allele origin: germline. Inheritance: Autosomal recessive inheritance. Affected: yes.

PreventionGenetics, part of Exact Sciences
Classification: Benign. Review status: criteria provided, single submitter. Criteria: ACMG Guidelines, 2015. Collection method: clinical testing. Allele origin: germline.

Clinical Genetics DNA and cytogenetics Diagnostics Lab, Erasmus MC, Erasmus Medical Center
Classification: Benign. Review status: no assertion criteria provided. Collection method: clinical testing. Allele origin: germline. Affected: yes. Study: VKGL Data-share Consensus. Not counted in ClinVar's aggregate classification.

Diagnostic Laboratory, Department of Genetics, University Medical Center Groningen
Classification: Benign for Microcephaly 7, primary, autosomal recessive. Review status: no assertion criteria provided. Collection method: clinical testing. Allele origin: germline. Affected: yes. Study: VKGL Data-share Consensus. Not counted in ClinVar's aggregate classification.

Joint Genome Diagnostic Labs from Nijmegen and Maastricht, Radboudumc and MUMC+
Classification: Benign. Review status: no assertion criteria provided. Collection method: clinical testing. Allele origin: germline. Affected: yes. Study: VKGL Data-share Consensus. Not counted in ClinVar's aggregate classification.

NM_001048166.1(STIL):c.3486T>C (p.Pro1162=)

Gene: STIL (STIL centriolar assembly protein; minus strand). Cytogenetic location: 1p33.
Variant type: single nucleotide variant.
Coding change: c.3486T>C on transcript NM_001048166.1 (MANE Select); coding-DNA position 3486, T replaced by C.
Protein change: p.Pro1162=; no amino-acid change (proline 1162 retained).
Molecular consequence: synonymous variant.
Genome position (GRCh38, 1-based): chr1:47,251,517, A>G on the plus strand (T>C on the coding strand, the complement: STIL is on the minus strand). VCF-style: chr1-47251517-A-G. GRCh37 (hg19) VCF-style: chr1-47717189-A-G.
Other names: p.P1161P:CCT>CCC; c.3483T>C, p.Pro1161= (NM_001282936.1, NM_003035.2); c.3432T>C, p.Pro1144= (NM_001282937.1); c.3345T>C, p.Pro1115= (NM_001282938.1); c.3291T>C, p.Pro1097= (NM_001282939.1).
Identifiers: ClinVar variation 94095 (VCV000094095.28), dbSNP rs2758735, ClinGen allele CA147615.